The following is an entry in ClinVar:

NM_004360.5(CDH1):c.2333C>A (p.Ala778Asp)

Gene: CDH1 (cadherin 1; plus strand). Cytogenetic location: 16q22.1.
Variant type: single nucleotide variant.
Coding change: c.2333C>A on transcript NM_004360.5 (MANE Select); coding-DNA position 2333, C replaced by A.
Protein change: p.Ala778Asp; replaces alanine 778 with aspartic acid.
Molecular consequence: missense variant.
Genome position (GRCh38, 1-based): chr16:68,829,691, C>A. VCF-style: chr16-68829691-C-A. GRCh37 (hg19) VCF-style: chr16-68863594-C-A.
Other names: c.2150C>A, p.Ala717Asp (NM_001317184.2); c.785C>A, p.Ala262Asp (NM_001317185.2); c.368C>A, p.Ala123Asp (NM_001317186.2); c.2333C>A (LRG_301t1); short protein forms A778D, A123D, A262D, A717D.
Identifiers: ClinVar variation 483245 (VCV000483245.6), dbSNP rs876659951, ClinGen allele CA396470925.

ClinVar aggregate classification (germline): Uncertain significance (1 of 4 stars; one submission).

Conditions:
Hereditary cancer-predisposing syndrome. Also called: Neoplastic Syndromes, Hereditary; Tumor predisposition; Hereditary Cancer Syndrome; Hereditary neoplastic syndrome. Identifiers: Orphanet 140162, MedGen C0027672, MeSH D009386, MONDO:0015356.

Allele frequency attached by ClinVar (database versions not stated): TOPMed below 0.00001; gnomAD 0.00001.
gnomAD v4.1: 2 of 1,614,058 alleles (0.00012%); highest among the groups gnomAD compares: Non-Finnish European, 0.00017%; no homozygotes.

Submission:

Ambry Genetics
Classification: Uncertain significance for Hereditary cancer-predisposing syndrome. Last evaluated: 2024-05-10. Review status: criteria provided, single submitter. Criteria: Ambry Variant Classification Scheme 2023. Collection method: clinical testing. Allele origin: germline.
Comment: The p.A778D variant (also known as c.2333C>A), located in coding exon 15 of the CDH1 gene, results from a C to A substitution at nucleotide position 2333. The alanine at codon 778 is replaced by aspartic acid, an amino acid with dissimilar properties. This amino acid position is well conserved in available vertebrate species. In addition, the in silico prediction for this alteration is inconclusive. Since supporting evidence is limited at this time, the clinical significance of this alteration remains unclear.